The following is an entry in ClinVar:

ClinVar aggregate classification (germline): Uncertain significance (1 of 4 stars; one submission).

Allele frequency attached by ClinVar (database versions not stated): gnomAD exomes below 0.00001 and 0.00002; ExAC 0.00001; gnomAD 0.00003 and 0.00004; TOPMed 0.00003; ESP Exome Variant Server 0.00015.
gnomAD v4.1: 12 of 1,541,038 alleles (0.00078%); highest among the groups gnomAD compares: African/African-American, 0.011%; no homozygotes.

Submission:

Labcorp Genetics (formerly Invitae), Labcorp
Classification: Uncertain significance. Last evaluated: 2022-06-13. Review status: criteria provided, single submitter. Criteria: Invitae Variant Classification Sherloc (09022015). Collection method: clinical testing. Allele origin: germline.
Comment: This sequence change replaces alanine, which is neutral and non-polar, with valine, which is neutral and non-polar, at codon 76 of the PHYH protein (p.Ala76Val). This variant is present in population databases (rs141855372, gnomAD 0.01%). This variant has not been reported in the literature in individuals affected with PHYH-related conditions. Algorithms developed to predict the effect of missense changes on protein structure and function (SIFT, PolyPhen-2, Align-GVGD) all suggest that this variant is likely to be tolerated. In summary, the available evidence is currently insufficient to determine the role of this variant in disease. Therefore, it has been classified as a Variant of Uncertain Significance.

NM_006214.4(PHYH):c.227C>T (p.Ala76Val)

Gene: PHYH (phytanoyl-CoA 2-hydroxylase; minus strand). Cytogenetic location: 10p13.
Variant type: single nucleotide variant.
Coding change: c.227C>T on transcript NM_006214.4 (MANE Select); coding-DNA position 227, C replaced by T.
Protein change: p.Ala76Val; replaces alanine 76 with valine.
Molecular consequence: missense variant. On other transcripts: 5 prime UTR variant (3).
Genome position (GRCh38, 1-based): chr10:13,295,514, G>A on the plus strand (C>T on the coding strand, the complement: PHYH is on the minus strand). VCF-style: chr10-13295514-G-A. GRCh37 (hg19) VCF-style: chr10-13337514-G-A.
Other names: c.-74C>T (NM_001037537.2, NM_001323080.2, NM_001323084.2); c.227C>T, p.Ala76Val (NM_001323082.2, NM_001323083.2); short protein forms A76V.
Identifiers: ClinVar variation 1370811 (VCV001370811.3), dbSNP rs141855372, ClinGen allele CA5412454.